The following is an entry in ClinVar:

ClinVar aggregate classification (germline): Likely pathogenic (1 of 4 stars; one submission).

Submission:

CeGaT Center for Human Genetics Tuebingen
Classification: Likely pathogenic. Last evaluated: 2024-08-01. Review status: criteria provided, single submitter. Criteria: CeGaT Center For Human Genetics Tuebingen Variant Classification Criteria Version 2. Collection method: clinical testing. Allele origin: germline. Affected: yes. Observed: 3 variant alleles.
Comment: MAFB: PVS1:Strong, PM2

NM_005461.5(MAFB):c.781C>T (p.Gln261Ter)

Gene: MAFB (MAF bZIP transcription factor B; minus strand). Cytogenetic location: 20q12.
Variant type: single nucleotide variant.
Coding change: c.781C>T on transcript NM_005461.5 (MANE Select); coding-DNA position 781, C replaced by T.
Protein change: p.Gln261Ter; replaces glutamine 261 with a stop codon.
Molecular consequence: nonsense.
Genome position (GRCh38, 1-based): chr20:40,688,070, G>A on the plus strand (C>T on the coding strand, the complement: MAFB is on the minus strand). VCF-style: chr20-40688070-G-A. GRCh37 (hg19) VCF-style: chr20-39316710-G-A.
Other names: short protein forms Q261*.
Identifiers: ClinVar variation 3234800 (VCV003234800.20), dbSNP rs2515462580, ClinGen allele CA408940411.